The following is an entry in ClinVar:

NM_000037.4(ANK1):c.2152A>T (p.Lys718Ter)

Gene: ANK1 (ankyrin 1; minus strand). Cytogenetic location: 8p11.21.
Variant type: single nucleotide variant.
Coding change: c.2152A>T on transcript NM_000037.4 (MANE Select); coding-DNA position 2152, A replaced by T.
Protein change: p.Lys718Ter; replaces lysine 718 with a stop codon.
Molecular consequence: nonsense.
Genome position (GRCh38, 1-based): chr8:41,704,418, T>A on the plus strand (A>T on the coding strand, the complement: ANK1 is on the minus strand). VCF-style: chr8-41704418-T-A. GRCh37 (hg19) VCF-style: chr8-41561936-T-A.
Other names: c.2251A>T, p.Lys751Ter (NM_001142446.2); c.2152A>T, p.Lys718Ter (NM_020475.3, NM_020476.3, NM_020477.3); short protein forms K718*, K751*.
Identifiers: ClinVar variation 2695846 (VCV002695846.3), dbSNP rs2486842193, ClinGen allele CA371066717.

ClinVar aggregate classification (germline): Pathogenic (1 of 4 stars; one submission).

Submission:

Labcorp Genetics (formerly Invitae), Labcorp
Classification: Pathogenic. Last evaluated: 2023-06-06. Review status: criteria provided, single submitter. Criteria: Invitae Variant Classification Sherloc (09022015). Collection method: clinical testing. Allele origin: germline.
Comment: This sequence change creates a premature translational stop signal (p.Lys718*) in the ANK1 gene. It is expected to result in an absent or disrupted protein product. Loss-of-function variants in ANK1 are known to be pathogenic (PMID: 8640229). For these reasons, this variant has been classified as Pathogenic. This variant has not been reported in the literature in individuals affected with ANK1-related conditions. This variant is not present in population databases (gnomAD no frequency).

Literature cited by the submitters: PubMed 8640229.